The following is an entry in ClinVar:

NM_005555.4(KRT6B):c.779G>A (p.Arg260His)

Gene: KRT6B (keratin 6B; minus strand). Cytogenetic location: 12q13.13.
Variant type: single nucleotide variant.
Coding change: c.779G>A on transcript NM_005555.4 (MANE Select); coding-DNA position 779, G replaced by A.
Protein change: p.Arg260His; replaces arginine 260 with histidine.
Molecular consequence: missense variant.
Genome position (GRCh38, 1-based): chr12:52,450,049, C>T on the plus strand (G>A on the coding strand, the complement: KRT6B is on the minus strand). VCF-style: chr12-52450049-C-T. GRCh37 (hg19) VCF-style: chr12-52843833-C-T.
Other names: short protein forms R260H.
Identifiers: ClinVar variation 2569654 (VCV002569654.6), dbSNP rs377313061, ClinGen allele CA6580690.

ClinVar aggregate classification (germline): Uncertain significance. Review status: criteria provided, multiple submitters, no conflicts (2 of 4 stars). 2 submissions from 2 submitters: Uncertain significance (2). Last evaluated 2025-10-02.

Conditions:
Inborn genetic diseases. Identifiers: MedGen C0950123, MeSH D030342.

Allele frequency attached by ClinVar (database versions not stated): ExAC 0.00004; gnomAD 0.00004; TOPMed 0.00004; ESP Exome Variant Server 0.00008.
gnomAD v4.1: 65 of 1,613,822 alleles (0.004%); highest among the groups gnomAD compares: Admixed American, 0.015%; no homozygotes.

Submissions (2):

Ambry Genetics
Classification: Uncertain significance for Inborn genetic diseases. Last evaluated: 2025-10-02. Review status: criteria provided, single submitter. Criteria: Ambry Variant Classification Scheme 2023. Collection method: clinical testing. Allele origin: germline.

Labcorp Genetics (formerly Invitae), Labcorp
Classification: Uncertain significance. Last evaluated: 2023-09-08. Review status: criteria provided, single submitter. Criteria: Invitae Variant Classification Sherloc (09022015). Collection method: clinical testing. Allele origin: germline.
Comment: In summary, the available evidence is currently insufficient to determine the role of this variant in disease. Therefore, it has been classified as a Variant of Uncertain Significance. Advanced modeling of protein sequence and biophysical properties (such as structural, functional, and spatial information, amino acid conservation, physicochemical variation, residue mobility, and thermodynamic stability) performed at Invitae indicates that this missense variant is not expected to disrupt KRT6B protein function. ClinVar contains an entry for this variant (Variation ID: 2569654). This variant has not been reported in the literature in individuals affected with KRT6B-related conditions. This variant is present in population databases (rs377313061, gnomAD 0.02%). This sequence change replaces arginine, which is basic and polar, with histidine, which is basic and polar, at codon 260 of the KRT6B protein (p.Arg260His).